The following is an entry in ClinVar:

ClinVar aggregate classification (germline): Uncertain significance. Review status: criteria provided, multiple submitters, no conflicts (2 of 4 stars). 4 submissions from 4 submitters: Uncertain significance (4). Last evaluated 2026-08-07.

Conditions:
TTN-related disorder. Also called: TTN-related disorders; TTN-related condition; TTN-related disease.
Autosomal recessive limb-girdle muscular dystrophy type 2J (LGMDR10). Also called: Limb-girdle muscular dystrophy, type 2J; MUSCULAR DYSTROPHY, LIMB-GIRDLE, AUTOSOMAL RECESSIVE 10. Identifiers: Orphanet 140922, MedGen C1837342, MONDO:0012127, OMIM 608807.
Dilated cardiomyopathy 1G (CMD1G). Identifiers: Orphanet 154, MedGen C1858763, MONDO:0011400, OMIM 604145.
Cardiovascular phenotype. Identifiers: MedGen CN230736.
Early-onset myopathy with fatal cardiomyopathy (CMYO5). Also called: Salih Myopathy; CONGENITAL MYOPATHY 5 WITH CARDIOMYOPATHY. Identifiers: Orphanet 289377, MedGen C2673677, MONDO:0012714, OMIM 611705. Disease mechanism: loss of function.
Hypertrophic cardiomyopathy 9. Also called: Familial hypertrophic cardiomyopathy 9. Identifiers: MedGen C1861065, MONDO:0013412, OMIM 613765.
Myopathy, myofibrillar, 9, with early respiratory failure (MFM9). Also called: Hereditary myopathy with early respiratory failure; MYOPATHY, PROXIMAL, WITH EARLY RESPIRATORY MUSCLE INVOLVEMENT; EDSTROM MYOPATHY; Myopathy, distal, with early respiratory failure, autosomal dominant. Identifiers: Orphanet 178464, Orphanet 34521, MedGen C1863599, MONDO:0011362, OMIM 603689.
Tibial muscular dystrophy (TMD). Also called: UDD MYOPATHY; Tibial muscular dystrophy, tardive; Udd Distal Myopathy – Tibial Muscular Dystrophy. Identifiers: Orphanet 609, MedGen C1838244, MONDO:0010870, OMIM 600334.

Allele frequency attached by ClinVar (database versions not stated): gnomAD 0.00001; gnomAD exomes 0.00001; ExAC 0.00002; TOPMed 0.00003.
gnomAD v4.1: 7 of 1,605,194 alleles (0.00044%); highest among the groups gnomAD compares: East Asian, 0.0067%; no homozygotes.

Submissions (4):

PreventionGenetics, part of Exact Sciences
Classification: Uncertain significance for TTN-related condition. Last evaluated: 2026-08-07. Review status: criteria provided, single submitter. Criteria: ACMG Guidelines, 2015. Collection method: clinical testing. Allele origin: germline.
Comment: The TTN c.87131T>C variant is predicted to result in the amino acid substitution p.Ile29044Thr. To our knowledge, this variant has not been reported in the literature. This variant is reported in 0.020% of alleles in individuals of African descent in gnomAD. At this time, the clinical significance of this variant is uncertain due to the absence of conclusive functional and genetic evidence.

Fulgent Genetics
Classification: Uncertain significance for Tibial muscular dystrophy; Myopathy, myofibrillar, 9, with early respiratory failure; Dilated cardiomyopathy 1G; Autosomal recessive limb-girdle muscular dystrophy type 2J; Early-onset myopathy with fatal cardiomyopathy; Hypertrophic cardiomyopathy 9. Last evaluated: 2021-09-29. Review status: criteria provided, single submitter. Criteria: ACMG Guidelines, 2015. Collection method: clinical testing. Allele origin: unknown.

Ambry Genetics
Classification: Uncertain significance for Cardiovascular phenotype. Last evaluated: 2020-01-21. Review status: criteria provided, single submitter. Criteria: Ambry Variant Classification Scheme 2023. Collection method: clinical testing. Allele origin: germline.
Comment: The p.I19979T variant (also known as c.59936T>C), located in coding exon 155 of the TTN gene, results from a T to C substitution at nucleotide position 59936. The isoleucine at codon 19979 is replaced by threonine, an amino acid with similar properties. This amino acid position is not well conserved in available vertebrate species. In addition, this alteration is predicted to be tolerated by in silico analysis. Since supporting evidence is limited at this time, the clinical significance of this alteration remains unclear.

Labcorp Genetics (formerly Invitae), Labcorp
Classification: Uncertain significance for Dilated cardiomyopathy 1G; Autosomal recessive limb-girdle muscular dystrophy type 2J. Last evaluated: 2016-11-04. Review status: criteria provided, single submitter. Criteria: Invitae Variant Classification Sherloc (09022015). Collection method: clinical testing. Allele origin: germline.

NM_001267550.2(TTN):c.87131T>C (p.Ile29044Thr)

Genes: TTN (titin; minus strand), TTN-AS1 (TTN antisense RNA 1; plus strand). Cytogenetic location: 2q31.2.
Variant type: single nucleotide variant.
Coding change: c.87131T>C on transcript NM_001267550.2 (MANE Select); coding-DNA position 87131, T replaced by C.
Protein change: p.Ile29044Thr; replaces isoleucine 29044 with threonine.
Molecular consequence: missense variant.
Genome position (GRCh38, 1-based): chr2:178,558,223, A>G on the plus strand (T>C on the coding strand, the complement: TTN is on the minus strand). VCF-style: chr2-178558223-A-G. GRCh37 (hg19) VCF-style: chr2-179422950-A-G.
Other names: c.82208T>C, p.Ile27403Thr (NM_001256850.1); c.59936T>C, p.Ile19979Thr (NM_003319.4); c.79427T>C, p.Ile26476Thr (NM_133378.4); c.60311T>C, p.Ile20104Thr (NM_133432.3); c.60512T>C, p.Ile20171Thr (NM_133437.4); short protein forms I29044T, I19979T, I20104T, I20171T, I26476T, I27403T.
Identifiers: ClinVar variation 404917 (VCV000404917.7), dbSNP rs768120552, ClinGen allele CA1988363.